The following is an entry in ClinVar:

NM_000038.6(APC):c.835-731A>C

Gene: APC (APC regulator of WNT signaling pathway; plus strand). Cytogenetic location: 5q22.2.
Variant type: single nucleotide variant.
Coding change: c.835-731A>C on transcript NM_000038.6 (MANE Select); 731 bases into the intron before coding-DNA position 835, A replaced by C.
Molecular consequence: intron variant.
Genome position (GRCh38, 1-based): chr5:112,814,764, A>C. VCF-style: chr5-112814764-A-C. GRCh37 (hg19) VCF-style: chr5-112150461-A-C.
Other names: c.835-731A>C (NM_001354895.2, NM_001127510.3, NM_001354896.2 and 1 more transcripts); c.865-731A>C (NM_001354897.2, NM_001354902.2); c.781-731A>C (NM_001127511.3); c.760-731A>C (NM_001354898.2, NM_001354904.2); c.-15-731A>C (NM_001354906.2); c.751-731A>C (NM_001354899.2); c.658-731A>C (NM_001354900.2, NM_001354901.2, NM_001354905.2).
Identifiers: ClinVar variation 83096 (VCV000083096.2), dbSNP rs74429825, ClinGen allele CA015390.
Genomic context (GRCh38, chr5:112,814,764, plus strand): 5'-CCTGAAGTCCAGTGACTCCACAGCTTGACAGCAACATCTTTGAAATGACATGAGATACTT[A>C]ATGATTTAACCCAACCTTTATCTCTAACCATACACCTTGTGTTCTGTCCACATTACATTG-3'

ClinVar aggregate classification (germline): other (0 of 4 stars; one submission).

Conditions:
Familial colorectal cancer. Identifiers: MedGen CN280943, MONDO:0023113. Disease mechanism: loss of function.

Submission:

Systems Biology Platform Zhejiang California International NanoSystems Institute
Classification: other for Familial colorectal cancer. Review status: no assertion criteria provided. Collection method: not provided. Allele origin: unknown.
ClinVar note: Converted during submission from cancer to other.